The following is an entry in ClinVar:

ClinVar aggregate classification (germline): Uncertain significance. Review status: criteria provided, multiple submitters, no conflicts (2 of 4 stars). 2 submissions from 2 submitters: Uncertain significance (2). Last evaluated 2026-01-09.

Allele frequency attached by ClinVar (database versions not stated): gnomAD 0.00002; TOPMed 0.00002; gnomAD exomes 0.00004; ExAC 0.00007; ESP Exome Variant Server 0.00008.
gnomAD v4.1: 61 of 1,605,986 alleles (0.0038%); highest among the groups gnomAD compares: South Asian, 0.009%; no homozygotes.

Submissions (2):

Labcorp Genetics (formerly Invitae), Labcorp
Classification: Uncertain significance. Last evaluated: 2026-01-09. Review status: criteria provided, single submitter. Criteria: Invitae Variant Classification Sherloc (09022015). Collection method: clinical testing. Allele origin: germline.
Comment: This sequence change replaces valine, which is neutral and non-polar, with methionine, which is neutral and non-polar, at codon 447 of the KRT83 protein (p.Val447Met). This variant is present in population databases (rs369729957, gnomAD 0.01%). This variant has not been reported in the literature in individuals affected with KRT83-related conditions. ClinVar contains an entry for this variant (Variation ID: 2364645). An algorithm developed to predict the effect of missense changes on protein structure and function outputs the following: PolyPhen-2: "Benign". The methionine amino acid residue is found in multiple mammalian species, which suggests that this missense change does not adversely affect protein function. In summary, the available evidence is currently insufficient to determine the role of this variant in disease. Therefore, it has been classified as a Variant of Uncertain Significance.

Ambry Genetics
Classification: Uncertain significance. Last evaluated: 2025-05-28. Review status: criteria provided, single submitter. Criteria: Ambry Variant Classification Scheme 2023. Collection method: clinical testing. Allele origin: germline.

NM_002282.3(KRT83):c.1339G>A (p.Val447Met)

Gene: KRT83 (keratin 83; minus strand). Cytogenetic location: 12q13.13.
Variant type: single nucleotide variant.
Coding change: c.1339G>A on transcript NM_002282.3 (MANE Select); coding-DNA position 1339, G replaced by A.
Protein change: p.Val447Met; replaces valine 447 with methionine.
Molecular consequence: missense variant.
Genome position (GRCh38, 1-based): chr12:52,314,774, C>T on the plus strand (G>A on the coding strand, the complement: KRT83 is on the minus strand). VCF-style: chr12-52314774-C-T. GRCh37 (hg19) VCF-style: chr12-52708558-C-T.
Other names: short protein forms V447M.
Identifiers: ClinVar variation 2364645 (VCV002364645.4), dbSNP rs369729957, ClinGen allele CA6577275.